The following is an entry in ClinVar:

NM_016333.4(SRRM2):c.4784G>A (p.Arg1595His)

Gene: SRRM2 (serine/arginine repetitive matrix 2; plus strand). Cytogenetic location: 16p13.3.
Variant type: single nucleotide variant.
Coding change: c.4784G>A on transcript NM_016333.4 (MANE Select); coding-DNA position 4784, G replaced by A.
Protein change: p.Arg1595His; replaces arginine 1595 with histidine.
Molecular consequence: missense variant.
Genome position (GRCh38, 1-based): chr16:2,765,312, G>A. VCF-style: chr16-2765312-G-A. GRCh37 (hg19) VCF-style: chr16-2815313-G-A.
Other names: short protein forms R1595H.
Identifiers: ClinVar variation 807963 (VCV000807963.44), dbSNP rs200200979, ClinGen allele CA7848298.

ClinVar aggregate classification (germline): Conflicting classifications of pathogenicity. Review status: criteria provided, conflicting classifications (1 of 4 stars). 3 submissions from 3 submitters: Uncertain significance (1); Likely benign (2). Last evaluated 2026-08-01.

Allele frequency attached by ClinVar (database versions not stated): ESP Exome Variant Server 0.00008; gnomAD 0.00028 and 0.00050; TOPMed 0.00035; 1000 Genomes Project 0.00100; 1000 Genomes Project 30x 0.00109; ExAC 0.00143.
gnomAD v4.1: 1,213 of 1,614,094 alleles (0.075%); highest among the groups gnomAD compares: South Asian, 0.84%; 10 homozygotes.

Submissions (3):

CeGaT Center for Human Genetics Tuebingen
Classification: Likely benign. Last evaluated: 2026-08-01. Review status: criteria provided, single submitter. Criteria: CeGaT Center For Human Genetics Tuebingen Variant Classification Criteria Version 2. Collection method: clinical testing. Allele origin: germline. Affected: yes. Observed: 2 variant alleles.
Comment: SRRM2: BP4, BS1

Blueprint Genetics
Classification: Likely benign. Last evaluated: 2024-11-26. Review status: criteria provided, single submitter. Criteria: ACMG Guidelines, 2015. Collection method: clinical testing. Allele origin: germline.

Breakthrough Genomics
Classification: Uncertain significance. Review status: criteria provided, single submitter. Criteria: ACMG Guidelines, 2015. Collection method: not provided. Allele origin: germline. Inheritance: Unknown mechanism. Affected: yes.